The following is an entry in ClinVar:

NM_024915.4(GRHL2):c.1642G>A (p.Asp548Asn)

Gene: GRHL2 (grainyhead like transcription factor 2; plus strand). Cytogenetic location: 8q22.3.
Variant type: single nucleotide variant.
Coding change: c.1642G>A on transcript NM_024915.4 (MANE Select); coding-DNA position 1642, G replaced by A.
Protein change: p.Asp548Asn; replaces aspartic acid 548 with asparagine.
Molecular consequence: missense variant.
Genome position (GRCh38, 1-based): chr8:101,649,443, G>A. VCF-style: chr8-101649443-G-A. GRCh37 (hg19) VCF-style: chr8-102661671-G-A.
Other names: c.1594G>A, p.Asp532Asn (NM_001330593.2, NM_001440448.1); c.1642G>A, p.Asp548Asn (NM_001440447.1); short protein forms D532N, D548N.
Identifiers: ClinVar variation 4977912 (VCV004977912.1).

ClinVar aggregate classification (germline): Uncertain significance (1 of 4 stars; one submission).

Conditions:
GRHL2-related disorder. Also called: GRHL2-related disorders; GRHL2-related condition.

gnomAD v4.1: 3 of 1,613,892 alleles (0.00019%); highest among the groups gnomAD compares: African/African-American, 0.0013%; no homozygotes.

Submission:

PreventionGenetics, part of Exact Sciences
Classification: Uncertain significance for GRHL2-related condition. Last evaluated: 2026-06-30. Review status: criteria provided, single submitter. Criteria: ACMG Guidelines, 2015. Collection method: clinical testing. Allele origin: germline.
Comment: The GRHL2 c.1642G>A variant is predicted to result in the amino acid substitution p.Asp548Asn. To our knowledge, this variant has not been reported in the literature or in a large population database (gnomAD), indicating this variant is rare. At this time, the clinical significance of this variant is uncertain due to the absence of conclusive functional and genetic evidence.